The following is an entry in ClinVar:

NM_001458.5(FLNC):c.3481A>G (p.Ser1161Gly)

Gene: FLNC (filamin C; plus strand). Cytogenetic location: 7q32.1.
Variant type: single nucleotide variant.
Coding change: c.3481A>G on transcript NM_001458.5 (MANE Select); coding-DNA position 3481, A replaced by G.
Protein change: p.Ser1161Gly; replaces serine 1161 with glycine.
Molecular consequence: missense variant.
Genome position (GRCh38, 1-based): chr7:128,844,946, A>G. VCF-style: chr7-128844946-A-G. GRCh37 (hg19) VCF-style: chr7-128485000-A-G.
Other names: c.3481A>G, p.Ser1161Gly (NM_001127487.2); short protein forms S1161G.
Identifiers: ClinVar variation 2565533 (VCV002565533.7), dbSNP rs767820058, ClinGen allele CA4475053.

ClinVar aggregate classification (germline): Conflicting classifications of pathogenicity. Review status: criteria provided, conflicting classifications (1 of 4 stars). 5 submissions from 5 submitters: Uncertain significance (3); Likely benign (2). Last evaluated 2026-02-12.

Conditions:
Cardiovascular phenotype. Identifiers: MedGen CN230736.
Myofibrillar myopathy 5. Also called: Filaminopathy (type); FILAMINOPATHY, AUTOSOMAL DOMINANT. Identifiers: Orphanet 171445, MedGen C1836050, MONDO:0012289, OMIM 609524.
Hypertrophic cardiomyopathy 26. Also called: Cardiomyopathy, familial hypertrophic, 26. Identifiers: Orphanet 75249, MedGen C4310749, MONDO:0014883, OMIM 617047.
Distal myopathy with posterior leg and anterior hand involvement. Also called: WILLIAMS DISTAL MYOPATHY. Identifiers: Orphanet 63273, MedGen C3279722, MONDO:0013550, OMIM 614065.

Allele frequency attached by ClinVar (database versions not stated): gnomAD exomes below 0.00001; ExAC 0.00001; gnomAD 0.00001; TOPMed 0.00001.

Submissions (5):

GeneDx
Classification: Uncertain significance. Last evaluated: 2026-02-12. Review status: criteria provided, single submitter. Criteria: GeneDx Variant Classification Process June 2021. Collection method: clinical testing. Allele origin: germline.
Comment: Not observed at significant frequency in large population cohorts (gnomAD); In silico analysis supports that this missense variant has a deleterious effect on protein structure/function; Has not been previously published as pathogenic or benign to our knowledge

Labcorp Genetics (formerly Invitae), Labcorp
Classification: Likely benign for Distal myopathy with posterior leg and anterior hand involvement; Myofibrillar myopathy 5; Hypertrophic cardiomyopathy 26. Last evaluated: 2024-10-18. Review status: criteria provided, single submitter. Criteria: Invitae Variant Classification Sherloc (09022015). Collection method: clinical testing. Allele origin: germline.

Revvity Omics, Revvity
Classification: Uncertain significance. Last evaluated: 2024-10-03. Review status: criteria provided, single submitter. Criteria: ACMG Guidelines, 2015. Collection method: clinical testing. Allele origin: germline.

Ambry Genetics
Classification: Uncertain significance for Cardiovascular phenotype. Last evaluated: 2023-06-09. Review status: criteria provided, single submitter. Criteria: Ambry Variant Classification Scheme 2023. Collection method: clinical testing. Allele origin: germline.
Comment: The p.S1161G variant (also known as c.3481A>G), located in coding exon 21 of the FLNC gene, results from an A to G substitution at nucleotide position 3481. The serine at codon 1161 is replaced by glycine, an amino acid with similar properties. This amino acid position is conserved. In addition, the in silico prediction for this alteration is inconclusive. Since supporting evidence is limited at this time, the clinical significance of this alteration remains unclear.

Blueprint Genetics
Classification: Likely benign. Last evaluated: 2022-09-09. Review status: criteria provided, single submitter. Criteria: ACMG Guidelines, 2015. Collection method: clinical testing. Allele origin: germline.